The following is an entry in ClinVar:

NM_000179.3(MSH6):c.1600A>T (p.Asn534Tyr)

Gene: MSH6 (mutS homolog 6; plus strand). Cytogenetic location: 2p16.3.
Variant type: single nucleotide variant.
Coding change: c.1600A>T on transcript NM_000179.3 (MANE Select); coding-DNA position 1600, A replaced by T.
Protein change: p.Asn534Tyr; replaces asparagine 534 with tyrosine.
Molecular consequence: missense variant. On other transcripts: non-coding transcript variant (4), intron variant (1).
Genome position (GRCh38, 1-based): chr2:47,799,583, A>T. VCF-style: chr2-47799583-A-T. GRCh37 (hg19) VCF-style: chr2-48026722-A-T.
Other names: c.1606A>T, p.Asn536Tyr (NM_001406813.1); c.694A>T, p.Asn232Tyr (NM_001406814.1, NM_001406815.1, NM_001406816.1 and 6 more transcripts); c.1600A>T, p.Asn534Tyr (NM_001406817.1, NM_001406796.1, NM_001406798.1 and 4 more transcripts); c.1303A>T, p.Asn435Tyr (NM_001406818.1, NM_001406819.1, NM_001406820.1 and 10 more transcripts); c.1432A>T, p.Asn478Tyr (NM_001406826.1); c.1210A>T, p.Asn404Tyr (NM_001281492.2); c.1696A>T, p.Asn566Tyr (NM_001406795.1, NM_001406802.1); c.1075A>T, p.Asn359Tyr (NM_001406799.1, NM_001406806.1, NM_001406807.1); and 2 more; short protein forms N536Y, N508Y, N534Y, N566Y, N232Y, N359Y, N435Y, N478Y.
Identifiers: ClinVar variation 2819616 (VCV002819616.3), dbSNP rs1669350157, ClinGen allele CA346746955.

ClinVar aggregate classification (germline): Uncertain significance (1 of 4 stars; one submission).

Conditions:
Hereditary nonpolyposis colorectal neoplasms. Identifiers: MedGen C0009405, MeSH D003123.

Submission:

Labcorp Genetics (formerly Invitae), Labcorp
Classification: Uncertain significance for Hereditary nonpolyposis colorectal neoplasms. Last evaluated: 2022-12-16. Review status: criteria provided, single submitter. Criteria: Invitae Variant Classification Sherloc (09022015). Collection method: clinical testing. Allele origin: germline.
Comment: In summary, the available evidence is currently insufficient to determine the role of this variant in disease. Therefore, it has been classified as a Variant of Uncertain Significance. Advanced modeling of protein sequence and biophysical properties (such as structural, functional, and spatial information, amino acid conservation, physicochemical variation, residue mobility, and thermodynamic stability) performed at Invitae indicates that this missense variant is not expected to disrupt MSH6 protein function. This variant has not been reported in the literature in individuals affected with MSH6-related conditions. This variant is not present in population databases (gnomAD no frequency). This sequence change replaces asparagine, which is neutral and polar, with tyrosine, which is neutral and polar, at codon 534 of the MSH6 protein (p.Asn534Tyr).